The following is an entry in ClinVar:

NM_000475.5(NR0B1):c.1A>G (p.Met1Val)

Gene: NR0B1 (nuclear receptor subfamily 0 group B member 1; minus strand). Cytogenetic location: Xp21.2.
Variant type: single nucleotide variant.
Coding change: c.1A>G on transcript NM_000475.5 (MANE Select); coding-DNA position 1, A replaced by G.
Protein change: p.Met1Val; changes the start codon (methionine 1).
Molecular consequence: missense variant, initiator codon variant.
Genome position (GRCh38, 1-based): chrX:30,309,363, T>C on the plus strand (A>G on the coding strand, the complement: NR0B1 is on the minus strand). VCF-style: chrX-30309363-T-C. GRCh37 (hg19) VCF-style: chrX-30327480-T-C.
Other names: short protein forms M1V.
Identifiers: ClinVar variation 1805127 (VCV001805127.2), dbSNP rs2519052283, ClinGen allele CA412549696.
Genomic context (GRCh38, chrX:30,309,363, plus strand): 5'-TCGCGCTCATAAGCATGTTGTAGAGGATGCTGCCCTGCCACTGGTGGTTCTCGCCCGCCA[T>C]GGCCCGCGGCGCCCGTAGCCCAGTTCTGCCCAGTGGCTGCCTCCTGGGACCTATTTATAC-3'
Protein context (NP_000466.2, residues 1-11): [Met1Val]AGENHQWQGS

ClinVar aggregate classification (germline): Likely pathogenic (1 of 4 stars; one submission).

Conditions:
Congenital adrenal hypoplasia, X-linked (AHC). Also called: Isolated X-Linked Adrenal Hypoplasia Congenita; ADRENAL HYPOPLASIA, CONGENITAL, WITH HYPOGONADOTROPIC HYPOGONADISM; X-linked AHC; X-Linked Adrenal Hypoplasia Congenita. Identifiers: Orphanet 95702, MedGen C0342482, MONDO:0010264, OMIM 300200. Disease mechanism: loss of function.

Submission:

Victorian Clinical Genetics Services, Murdoch Childrens Research Institute
Classification: Likely pathogenic for Congenital adrenal hypoplasia, X-linked. Last evaluated: 2022-02-02. Review status: criteria provided, single submitter. Criteria: ACMG Guidelines, 2015. Collection method: clinical testing. Allele origin: germline. Inheritance: X-linked recessive inheritance.
Comment: Based on the classification scheme VCGS_Germline_v1.3.4, this variant is classified as likely pathogenic. The following criteria are met: 0102 - Loss of function is a known mechanism of disease in this gene and is associated with congenital adrenal hypoplasia (MIM# 300200). (I) 0109 - This gene is associated with X-linked recessive disease. (I) 0206 - Variant is predicted to result in a loss of the canonical translation initiation codon (ATG) and there is no known alternative RefSeq transcript with a different start codon. In addition, a patient who had a nonsense variant presented with a milder phenotype thought to be due to an alternative start site at methionine 83 (PMID: 12519885). (SP) 0251 - This variant is heterozygous. (I) 0301 - Variant is absent from gnomAD (both v2 and v3). (SP) 0807 - This variant has no previous evidence of pathogenicity. (I) 0905 - No published segregation evidence has been identified for this variant. (I) 1007 - No published functional evidence has been identified for this variant. (I) 0705 - No comparable start loss variants have previous evidence for pathogenicity. (I) Legend: (SP) - Supporting pathogenic, (I) - Information, (SB) - Supporting benign

Literature cited by the submitters: PubMed 12519885.